The following is an entry in ClinVar:

NM_021254.4(CFAP298):c.113G>C (p.Arg38Pro)

Genes: CFAP298 (cilia and flagella associated protein 298; minus strand), CFAP298-TCP10L (CFAP298-TCP10L readthrough; minus strand). Cytogenetic location: 21q22.11.
Variant type: single nucleotide variant.
Coding change: c.113G>C on transcript NM_021254.4 (MANE Select); coding-DNA position 113, G replaced by C.
Protein change: p.Arg38Pro; replaces arginine 38 with proline.
Molecular consequence: missense variant. On other transcripts: non-coding transcript variant (2), 5 prime UTR variant (1).
Genome position (GRCh38, 1-based): chr21:32,612,131, C>G on the plus strand (G>C on the coding strand, the complement: CFAP298 is on the minus strand). VCF-style: chr21-32612131-C-G. GRCh37 (hg19) VCF-style: chr21-33984441-C-G.
Other names: c.113G>C, p.Arg38Pro (NM_001350338.2, NM_001350335.2, NM_001350336.2 and 1 more transcripts); c.-117G>C (NM_001350334.2); short protein forms R38P.
Identifiers: ClinVar variation 1039811 (VCV001039811.6), dbSNP rs1304051762, ClinGen allele CA410076643.

ClinVar aggregate classification (germline): Uncertain significance (1 of 4 stars; one submission).

Allele frequency attached by ClinVar (database versions not stated): TOPMed 0.00002; gnomAD exomes 0.00003; 1000 Genomes Project 30x 0.00016.
gnomAD v4.1: 59 of 1,564,048 alleles (0.0038%); highest among the groups gnomAD compares: Non-Finnish European, 0.0049%; no homozygotes.

Submission:

Labcorp Genetics (formerly Invitae), Labcorp
Classification: Uncertain significance. Last evaluated: 2022-06-20. Review status: criteria provided, single submitter. Criteria: Invitae Variant Classification Sherloc (09022015). Collection method: clinical testing. Allele origin: germline.
Comment: This sequence change replaces arginine, which is basic and polar, with proline, which is neutral and non-polar, at codon 38 of the CFAP298 protein (p.Arg38Pro). This variant is present in population databases (no rsID available, gnomAD 0.006%). This variant has not been reported in the literature in individuals affected with CFAP298-related conditions. ClinVar contains an entry for this variant (Variation ID: 1039811). Algorithms developed to predict the effect of missense changes on protein structure and function are either unavailable or do not agree on the potential impact of this missense change (SIFT: "Deleterious"; PolyPhen-2: "Probably Damaging"; Align-GVGD: "Class C0"). In summary, the available evidence is currently insufficient to determine the role of this variant in disease. Therefore, it has been classified as a Variant of Uncertain Significance.